The following is an entry in ClinVar:

NM_001015877.2(PHF6):c.904C>T (p.His302Tyr)

Gene: PHF6 (PHD finger protein 6; plus strand). Cytogenetic location: Xq26.2.
Variant type: single nucleotide variant.
Coding change: c.904C>T on transcript NM_001015877.2 (MANE Select); coding-DNA position 904, C replaced by T.
Protein change: p.His302Tyr; replaces histidine 302 with tyrosine.
Molecular consequence: missense variant.
Genome position (GRCh38, 1-based): chrX:134,417,238, C>T. VCF-style: chrX-134417238-C-T. GRCh37 (hg19) VCF-style: chrX-133551268-C-T.
Other names: c.904C>T, p.His302Tyr (NM_032458.3); short protein forms H302Y.
Identifiers: ClinVar variation 3212192 (VCV003212192.1), dbSNP rs2520644535, ClinGen allele CA414707815.

ClinVar aggregate classification (germline): Likely pathogenic (1 of 4 stars; one submission).

Conditions:
Inborn genetic diseases. Identifiers: MedGen C0950123, MeSH D030342.

Submission:

Ambry Genetics
Classification: Likely pathogenic for Inborn genetic diseases. Last evaluated: 2024-03-05. Review status: criteria provided, single submitter. Criteria: Ambry Variant Classification Scheme 2023. Collection method: clinical testing. Allele origin: germline.
Comment: The c.904C>T (p.H302Y) alteration is located in exon 9 (coding exon 8) of the PHF6 gene. This alteration results from a C to T substitution at nucleotide position 904, causing the histidine (H) at amino acid position 302 to be replaced by a tyrosine (Y). This variant was not reported in population-based cohorts in the Genome Aggregation Database (gnomAD). This amino acid position is highly conserved in available vertebrate species. This missense alteration is located in a region that has a low rate of benign missense variation (Lek, 2016; Firth, 2009). This alteration is predicted to be deleterious by in silico analysis. Based on the available evidence, this alteration is classified as likely pathogenic.